The following is an entry in ClinVar:

NM_001163809.2(WDR81):c.1616G>A (p.Arg539Gln)

Gene: WDR81 (WD repeat domain 81; plus strand). Cytogenetic location: 17p13.3.
Variant type: single nucleotide variant.
Coding change: c.1616G>A on transcript NM_001163809.2 (MANE Select); coding-DNA position 1616, G replaced by A.
Protein change: p.Arg539Gln; replaces arginine 539 with glutamine.
Molecular consequence: missense variant. On other transcripts: intron variant (3).
Genome position (GRCh38, 1-based): chr17:1,726,575, G>A. VCF-style: chr17-1726575-G-A. GRCh37 (hg19) VCF-style: chr17-1629869-G-A.
Other names: c.-123-1415G>A (NM_152348.4); c.59-3805G>A (NM_001163673.2); c.-15+1789G>A (NM_001163811.2); short protein forms R539Q.
Identifiers: ClinVar variation 3368698 (VCV003368698.1).

ClinVar aggregate classification (germline): Uncertain significance (1 of 4 stars; one submission).

gnomAD v4.1: 27 of 1,550,176 alleles (0.0017%); highest among the groups gnomAD compares: Non-Finnish European, 0.0023%; no homozygotes.

Submission:

GeneDx
Classification: Uncertain significance. Last evaluated: 2024-02-02. Review status: criteria provided, single submitter. Criteria: GeneDx Variant Classification Process June 2021. Collection method: clinical testing. Allele origin: germline. Affected: yes.
Comment: Not observed at significant frequency in large population cohorts (gnomAD); In silico analysis supports that this missense variant does not alter protein structure/function; Has not been previously published as pathogenic or benign to our knowledge